The following is an entry in ClinVar:

ClinVar aggregate classification (germline): Uncertain significance (1 of 4 stars; one submission).

Conditions:
Neuronal ceroid lipofuscinosis. Also called: Neuronal Ceroid Lipofuscinoses. Identifiers: Orphanet 216, Orphanet 79263, MedGen C0027877, MONDO:0016295. Disease mechanism: loss of function.

Allele frequency attached by ClinVar (database versions not stated): gnomAD exomes below 0.00001.
gnomAD v4.1: 1 of 1,611,820 alleles (0.000062%); highest among the groups gnomAD compares: South Asian, 0.0011%; no homozygotes.

Submission:

Labcorp Genetics (formerly Invitae), Labcorp
Classification: Uncertain significance for Neuronal ceroid lipofuscinosis. Last evaluated: 2022-02-03. Review status: criteria provided, single submitter. Criteria: Invitae Variant Classification Sherloc (09022015). Collection method: clinical testing. Allele origin: germline.
Comment: This variant has not been reported in the literature in individuals affected with CLN5-related conditions. In summary, the available evidence is currently insufficient to determine the role of this variant in disease. Therefore, it has been classified as a Variant of Uncertain Significance. Algorithms developed to predict the effect of missense changes on protein structure and function are either unavailable or do not agree on the potential impact of this missense change (SIFT: "Deleterious"; PolyPhen-2: "Benign"; Align-GVGD: "Class C0"). This variant is not present in population databases (gnomAD no frequency). This sequence change replaces glutamic acid, which is acidic and polar, with aspartic acid, which is acidic and polar, at codon 53 of the CLN5 protein (p.Glu53Asp).

NM_006493.4(CLN5):c.12G>C (p.Glu4Asp)

Gene: CLN5 (CLN5 lysosomal BMP synthase; plus strand). Cytogenetic location: 13q22.3.
Variant type: single nucleotide variant.
Coding change: c.12G>C on transcript NM_006493.4 (MANE Select); coding-DNA position 12, G replaced by C.
Protein change: p.Glu4Asp; replaces glutamic acid 4 with aspartic acid.
Molecular consequence: missense variant.
Genome position (GRCh38, 1-based): chr13:76,992,110, G>C. VCF-style: chr13-76992110-G-C. GRCh37 (hg19) VCF-style: chr13-77566245-G-C.
Other names: c.12G>C, p.Glu4Asp (NM_001366624.2); short protein forms E53D, E4D.
Identifiers: ClinVar variation 2076598 (VCV002076598.4), dbSNP rs2501123696, ClinGen allele CA388306231.